The following is an entry in ClinVar:

ClinVar aggregate classification (germline): Uncertain significance. Review status: criteria provided, single submitter (1 of 4 stars). 2 submissions from 2 submitters: Uncertain significance (1). 1 of the submissions does not count toward it. Last evaluated 2022-09-01.

Conditions:
Methylmalonic aciduria due to complete methylmalonyl-CoA mutase deficiency.

Allele frequency attached by ClinVar (database versions not stated): gnomAD exomes 0.00002.

Submissions (2):

Labcorp Genetics (formerly Invitae), Labcorp
Classification: Uncertain significance. Last evaluated: 2022-09-01. Review status: criteria provided, single submitter. Criteria: Invitae Variant Classification Sherloc (09022015). Collection method: clinical testing. Allele origin: germline.
Comment: This sequence change replaces valine, which is neutral and non-polar, with alanine, which is neutral and non-polar, at codon 500 of the MUT protein (p.Val500Ala). This variant is not present in population databases (gnomAD no frequency). This variant has not been reported in the literature in individuals affected with MUT-related conditions. ClinVar contains an entry for this variant (Variation ID: 992066). Algorithms developed to predict the effect of missense changes on protein structure and function are either unavailable or do not agree on the potential impact of this missense change (SIFT: "Deleterious"; PolyPhen-2: "Possibly Damaging"; Align-GVGD: "Class C0"). In summary, the available evidence is currently insufficient to determine the role of this variant in disease. Therefore, it has been classified as a Variant of Uncertain Significance.

Natera, Inc.
Classification: Uncertain significance for Methylmalonic aciduria due to complete methylmalonyl-CoA mutase deficiency. Last evaluated: 2020-08-13. Review status: no assertion criteria provided. Collection method: clinical testing. Allele origin: germline. Not counted in ClinVar's aggregate classification.

NM_000255.4(MMUT):c.1499T>C (p.Val500Ala)

Gene: MMUT (methylmalonyl-CoA mutase; minus strand). Cytogenetic location: 6p12.3.
Variant type: single nucleotide variant.
Coding change: c.1499T>C on transcript NM_000255.4 (MANE Select); coding-DNA position 1499, T replaced by C.
Protein change: p.Val500Ala; replaces valine 500 with alanine.
Molecular consequence: missense variant.
Genome position (GRCh38, 1-based): chr6:49,447,731, A>G on the plus strand (T>C on the coding strand, the complement: MMUT is on the minus strand). VCF-style: chr6-49447731-A-G. GRCh37 (hg19) VCF-style: chr6-49415444-A-G.
Other names: short protein forms V500A.
Identifiers: ClinVar variation 992066 (VCV000992066.4), dbSNP rs766908649, ClinGen allele CA138795784.